The following is an entry in ClinVar:

NM_001429.4(EP300):c.4864G>A (p.Asp1622Asn)

Gene: EP300 (EP300 lysine acetyltransferase; plus strand). Cytogenetic location: 22q13.2.
Variant type: single nucleotide variant.
Coding change: c.4864G>A on transcript NM_001429.4 (MANE Select); coding-DNA position 4864, G replaced by A.
Protein change: p.Asp1622Asn; replaces aspartic acid 1622 with asparagine.
Molecular consequence: missense variant.
Genome position (GRCh38, 1-based): chr22:41,176,331, G>A. VCF-style: chr22-41176331-G-A. GRCh37 (hg19) VCF-style: chr22-41572335-G-A.
Other names: c.4786G>A, p.Asp1596Asn (NM_001362843.2); short protein forms D1596N, D1622N.
Identifiers: ClinVar variation 3344879 (VCV003344879.2).

ClinVar aggregate classification (germline): Conflicting classifications of pathogenicity. Review status: no assertion criteria provided (0 of 4 stars). 2 submissions from 2 submitters: Likely pathogenic (1); Uncertain significance (1). Last evaluated 2024-10-14.

Conditions:
Rubinstein-Taybi syndrome due to EP300 haploinsufficiency. Also called: EP300-Related Rubinstein-Taybi Syndrome; RUBINSTEIN-TAYBI SYNDROME 2. Identifiers: Orphanet 353284, Orphanet 783, MedGen C3150941, MONDO:0013364, OMIM 613684.
EP300-related disorder. Also called: EP300-related condition; EP300-related disorders.

Submissions (2):

Clinical Genetics Laboratory, University Hospital Schleswig-Holstein
Classification: Likely pathogenic for Rubinstein-Taybi syndrome due to EP300 haploinsufficiency. Last evaluated: 2024-10-14. Review status: no assertion criteria provided. Collection method: clinical testing. Allele origin: de novo. Affected: yes.

PreventionGenetics, part of Exact Sciences
Classification: Uncertain significance for EP300-related condition. Last evaluated: 2024-08-23. Review status: no assertion criteria provided. Collection method: clinical testing. Allele origin: germline.
Comment: The EP300 c.4864G>A variant is predicted to result in the amino acid substitution p.Asp1622Asn. To our knowledge, this variant has not been reported in the literature. This variant is reported in 0.00088% of alleles in individuals of European (Non-Finnish) descent in gnomAD. At this time, the clinical significance of this variant is uncertain due to the absence of conclusive functional and genetic evidence.